The following is an entry in ClinVar:

ClinVar aggregate classification (germline): Likely pathogenic (0 of 4 stars; one submission).

Conditions:
Ehlers-Danlos syndrome, type 4 (EDSVASC). Also called: Ehlers-Danlos syndrome vascular type; Ehlers Danlos syndrome, ecchymotic type; Ehlers Danlos syndrome, arterial type; Ehlers Danlos syndrome, Sack-Barabas type; Ehlers-Danlos Syndrome Type IV. Identifiers: Orphanet 286, MedGen C0268338, MONDO:0017314, OMIM 130050.

Submission:

Department of Gastroenterological Surgery, Kumamoto University
Classification: Likely pathogenic for Ehlers-Danlos syndrome, type 4. Last evaluated: 2021-06-11. Review status: no assertion criteria provided. Collection method: clinical testing. Allele origin: inherited. Inheritance: Autosomal dominant inheritance. Affected: yes.
Comment: The vascular Ehlers-Danlos syndrome (EDS), also known as type IV EDS, is associated with arterial, digestive, and uterine complications, including intestinal perforation, rarely manifest in other types of EDS. The variants of the COL3A1 gene have been reported including c.2095G>C, p.Gly699Arg and c.2095G>A, p.Gly699Asp (Pepin 2014). Herein we describe a novel likely pathogenic variant, a missense mutation in the COL3A1gene (c.2095G>T, p.Gly699Cys) detected in the Japanese family with typical symptoms of type IV EDS including multiple intestinal perforations or aortic rupture.

Literature cited by the submitters: PubMed 37171638.

NM_000090.4(COL3A1):c.2095G>T (p.Gly699Cys)

Gene: COL3A1 (collagen type III alpha 1 chain; plus strand). Cytogenetic location: 2q32.2.
Variant type: single nucleotide variant.
Coding change: c.2095G>T on transcript NM_000090.4 (MANE Select); coding-DNA position 2095, G replaced by T.
Protein change: p.Gly699Cys; replaces glycine 699 with cysteine.
Molecular consequence: missense variant.
Genome position (GRCh38, 1-based): chr2:188,999,357, G>T. VCF-style: chr2-188999357-G-T. GRCh37 (hg19) VCF-style: chr2-189864083-G-T.
Other names: short protein forms G699C.
Identifiers: ClinVar variation 2637916 (VCV002637916.2), dbSNP rs587779668, ClinGen allele CA349840277.
Genomic context (GRCh38, chr2:188,999,357, plus strand): 5'-GCCCCTGGTGAACGTGGACCTCCTGGATTGGCAGGGGCCCCAGGACTTAGAGGTGGAGCT[G>T]GTCCCCCTGGTCCCGAAGGAGGAAAGGTAACTCCACAGCATTCCATTCACCTAGGTTTAA-3'
Protein context (NP_000081.2, residues 689-709): AGAPGLRGGA[Gly699Cys]PPGPEGGKGA